The following is an entry in ClinVar:

NM_000092.5(COL4A4):c.248G>A (p.Gly83Glu)

Gene: COL4A4 (collagen type IV alpha 4 chain; minus strand). Cytogenetic location: 2q36.3.
Variant type: single nucleotide variant.
Coding change: c.248G>A on transcript NM_000092.5 (MANE Select); coding-DNA position 248, G replaced by A.
Protein change: p.Gly83Glu; replaces glycine 83 with glutamic acid.
Molecular consequence: missense variant.
Genome position (GRCh38, 1-based): chr2:227,121,093, C>T on the plus strand (G>A on the coding strand, the complement: COL4A4 is on the minus strand). VCF-style: chr2-227121093-C-T. GRCh37 (hg19) VCF-style: chr2-227985809-C-T.
Other names: c.248G>A (NM_000092.4); short protein forms G83E.
Identifiers: ClinVar variation 1526227 (VCV001526227.3), dbSNP rs1559677316, ClinGen allele CA350863377.

ClinVar aggregate classification (germline): Conflicting classifications of pathogenicity. Review status: criteria provided, conflicting classifications (1 of 4 stars). 3 submissions from 3 submitters: Likely pathogenic (2); Uncertain significance (1). Last evaluated 2025-09-04.

Conditions:
Alport syndrome. Also called: Hemorrhagic familial nephritis; Hemorrhagic hereditary nephritis; Congenital hereditary hematuria. Identifiers: Orphanet 63, MedGen C1567741, MONDO:0018965.
Autosomal recessive Alport syndrome (ATS2). Also called: COL4A3-Related Nephropathy; ALPORT SYNDROME 2, AUTOSOMAL RECESSIVE; COL4A4 Alport Syndrome and Thin Basement Membrane Nephropathy; Alport syndrome type 2. Identifiers: Orphanet 63, Orphanet 88919, MedGen C4746745, MONDO:0008762, OMIM 203780.
Hematuria, benign familial, 1 (BFH1). Also called: THIN MEMBRANE NEPHROPATHY. Identifiers: MedGen CN376803, MONDO:0007709, OMIM 141200.

Submissions (3):

Natera, Inc.
Classification: Likely pathogenic for Alport syndrome. Last evaluated: 2025-09-04. Review status: criteria provided, single submitter. Criteria: Natera Variant Classification Schema (03/2026). Collection method: clinical testing. Allele origin: germline.
Comment: The c.248G>A variant in COL4A4 is a missense variant predicted to cause substitution of glycine to glutamic acid at amino acid 83. This variant is rare in the general population with a frequency below the threshold expected for the associated phenotype(s). This variant is located in a functionally critical region of the protein. Computational prediction algorithms indicate this variant is likely to affect gene or protein function. Given the available evidence, this variant is classified as Likely Pathogenic.

Fulgent Genetics
Classification: Likely pathogenic for Hematuria, benign familial, 1; Autosomal recessive Alport syndrome. Last evaluated: 2024-01-12. Review status: criteria provided, single submitter. Criteria: ACMG Guidelines, 2015. Collection method: clinical testing. Allele origin: germline.

3billion
Classification: Uncertain significance for Autosomal recessive Alport syndrome. Last evaluated: 2022-03-22. Review status: criteria provided, single submitter. Criteria: ACMG Guidelines, 2015. Collection method: clinical testing. Allele origin: germline. Affected: yes. Observed: 1 heterozygote.
Comment: The variant is not observed in the gnomAD v2.1.1 dataset. In silico tool predictions suggest damaging effect of the variant on gene or gene product (REVEL: 0.947>=0.6). Therefore, this variant is classified as uncertain significance according to the recommendation of ACMG/AMP guideline.